The following is an entry in ClinVar:

NM_002485.5(NBN):c.515T>C (p.Val172Ala)

Gene: NBN (nibrin; minus strand). Cytogenetic location: 8q21.3.
Variant type: single nucleotide variant.
Coding change: c.515T>C on transcript NM_002485.5 (MANE Select); coding-DNA position 515, T replaced by C.
Protein change: p.Val172Ala; replaces valine 172 with alanine.
Molecular consequence: missense variant.
Genome position (GRCh38, 1-based): chr8:89,978,289, A>G on the plus strand (T>C on the coding strand, the complement: NBN is on the minus strand). VCF-style: chr8-89978289-A-G. GRCh37 (hg19) VCF-style: chr8-90990517-A-G.
Other names: c.269T>C, p.Val90Ala (NM_001024688.3); short protein forms V172A, V90A.
Identifiers: ClinVar variation 480049 (VCV000480049.12), dbSNP rs1554566701, ClinGen allele CA371660375.
Genomic context (GRCh38, chr8:89,978,289, plus strand): 5'-TGTGGAGGCTGCTTCTTGGACTCAACTGCTTTCAGGAATTCAGTAAAATATTCTGGCTTT[A>G]CAATTGGACGTCCACAAATGAGTGCACATATTGTCTACAATGAAGAAAACATGTGAATAT-3'
Protein context (NP_002476.2, residues 162-182): ICALICGRPI[Val172Ala]KPEYFTEFLK

ClinVar aggregate classification (germline): Uncertain significance. Review status: criteria provided, multiple submitters, no conflicts (2 of 4 stars). 4 submissions from 4 submitters: Uncertain significance (4). Last evaluated 2022-06-10.

Conditions:
Acute lymphoid leukemia (ALL). Also called: Acute lymphoblastic leukemia; Acute lymphocytic leukemia; Lymphoblastic leukemia; Leukemia, acute lymphoblastic, somatic. Identifiers: Orphanet 513, MedGen C0023449, MONDO:0004967, OMIM 613065, HP:0006721.
Microcephaly, normal intelligence and immunodeficiency (NBS). Also called: IMMUNODEFICIENCY, MICROCEPHALY, AND CHROMOSOMAL INSTABILITY; SEEMANOVA SYNDROME II; Nijmegen breakage syndrome; Microcephaly with normal intelligence immunodeficiency and lymphoreticular malignancies; Nonsyndromal microcephaly autosomal recessive with normal intelligence; Seemanova syndrome 2. Identifiers: Orphanet 647, MedGen C0398791, MONDO:0009623, OMIM 251260.
Aplastic anemia. Identifiers: Orphanet 182040, Orphanet 88, MedGen C0002874, MONDO:0015909, OMIM 609135, HP:0001915.
Hereditary cancer-predisposing syndrome. Also called: Hereditary neoplastic syndrome; Neoplastic Syndromes, Hereditary; Tumor predisposition; Hereditary Cancer Syndrome. Identifiers: Orphanet 140162, MedGen C0027672, MeSH D009386, MONDO:0015356.

Submissions (4):

Ambry Genetics
Classification: Uncertain significance for Hereditary cancer-predisposing syndrome. Last evaluated: 2022-06-10. Review status: criteria provided, single submitter. Criteria: Ambry Variant Classification Scheme 2023. Collection method: clinical testing. Allele origin: germline.
Comment: The p.V172A variant (also known as c.515T>C), located in coding exon 5 of the NBN gene, results from a T to C substitution at nucleotide position 515. The valine at codon 172 is replaced by alanine, an amino acid with similar properties. This amino acid position is well conserved in available vertebrate species. In addition, this alteration is predicted to be deleterious by in silico analysis. Since supporting evidence is limited at this time, the clinical significance of this alteration remains unclear.

Genome-Nilou Lab
Classification: Uncertain significance for Microcephaly, normal intelligence and immunodeficiency. Last evaluated: 2021-11-07. Review status: criteria provided, single submitter. Criteria: ACMG Guidelines, 2015. Collection method: clinical testing. Allele origin: germline. Affected: no.

Fulgent Genetics
Classification: Uncertain significance for Microcephaly, normal intelligence and immunodeficiency; Aplastic anemia; Acute lymphoid leukemia. Last evaluated: 2021-10-21. Review status: criteria provided, single submitter. Criteria: ACMG Guidelines, 2015. Collection method: clinical testing. Allele origin: unknown.

Breakthrough Genomics
Classification: Uncertain significance. Review status: criteria provided, single submitter. Criteria: ACMG Guidelines, 2015. Collection method: not provided. Allele origin: germline. Inheritance: Autosomal recessive inheritance. Affected: yes.